The following is an entry in ClinVar:

NM_000489.6(ATRX):c.160T>A (p.Ser54Thr)

Gene: ATRX (ATRX chromatin remodeler; minus strand). Cytogenetic location: Xq21.1.
Variant type: single nucleotide variant.
Coding change: c.160T>A on transcript NM_000489.6 (MANE Select); coding-DNA position 160, T replaced by A.
Protein change: p.Ser54Thr; replaces serine 54 with threonine.
Molecular consequence: missense variant.
Genome position (GRCh38, 1-based): chrX:77,698,603, A>T on the plus strand (T>A on the coding strand, the complement: ATRX is on the minus strand). VCF-style: chrX-77698603-A-T. GRCh37 (hg19) VCF-style: chrX-76954091-A-T.
Other names: c.160T>A, p.Ser54Thr (NM_138270.5); short protein forms S54T.
Identifiers: ClinVar variation 1481712 (VCV001481712.8), dbSNP rs2072320573, ClinGen allele CA413724434.

ClinVar aggregate classification (germline): Uncertain significance (1 of 4 stars; one submission).

Conditions:
Alpha thalassemia-X-linked intellectual disability syndrome (ATRX). Also called: X-linked alpha-thalassemia-mental retardation syndrome; ALPHA-THALASSEMIA/IMPAIRED INTELLECTUAL DEVELOPMENT SYNDROME, X-LINKED; ALPHA-THALASSEMIA/MENTAL RETARDATION SYNDROME, X-LINKED; ATR, NONDELETION TYPE; ATR-X syndrome; Alpha thalassemia mental retardation syndrome, nondeletion type, X-linked. Identifiers: Orphanet 847, MedGen C1845055, MONDO:0010519, OMIM 301040.

Submission:

Labcorp Genetics (formerly Invitae), Labcorp
Classification: Uncertain significance for Alpha thalassemia-X-linked intellectual disability syndrome. Last evaluated: 2023-03-02. Review status: criteria provided, single submitter. Criteria: Invitae Variant Classification Sherloc (09022015). Collection method: clinical testing. Allele origin: germline.
Comment: This sequence change replaces serine, which is neutral and polar, with threonine, which is neutral and polar, at codon 54 of the ATRX protein (p.Ser54Thr). This variant is not present in population databases (gnomAD no frequency). This variant has not been reported in the literature in individuals affected with ATRX-related conditions. ClinVar contains an entry for this variant (Variation ID: 1481712). Advanced modeling of protein sequence and biophysical properties (such as structural, functional, and spatial information, amino acid conservation, physicochemical variation, residue mobility, and thermodynamic stability) performed at Invitae indicates that this missense variant is not expected to disrupt ATRX protein function. In summary, the available evidence is currently insufficient to determine the role of this variant in disease. Therefore, it has been classified as a Variant of Uncertain Significance.